The following is an entry in ClinVar:

ClinVar aggregate classification (germline): Uncertain significance (1 of 4 stars; one submission).

Allele frequency attached by ClinVar (database versions not stated): TOPMed below 0.00001; gnomAD exomes 0.00001.
gnomAD v4.1: 5 of 1,614,128 alleles (0.00031%); highest among the groups gnomAD compares: Non-Finnish European, 0.00042%; no homozygotes.

Submission:

Labcorp Genetics (formerly Invitae), Labcorp
Classification: Uncertain significance. Last evaluated: 2023-10-11. Review status: criteria provided, single submitter. Criteria: Invitae Variant Classification Sherloc (09022015). Collection method: clinical testing. Allele origin: germline.
Comment: This sequence change replaces isoleucine, which is neutral and non-polar, with leucine, which is neutral and non-polar, at codon 371 of the SLC1A3 protein (p.Ile371Leu). This variant is not present in population databases (gnomAD no frequency). This variant has not been reported in the literature in individuals affected with SLC1A3-related conditions. ClinVar contains an entry for this variant (Variation ID: 1947776). Advanced modeling of protein sequence and biophysical properties (such as structural, functional, and spatial information, amino acid conservation, physicochemical variation, residue mobility, and thermodynamic stability) performed at Invitae indicates that this missense variant is not expected to disrupt SLC1A3 protein function. Algorithms developed to predict the effect of sequence changes on RNA splicing suggest that this variant may create or strengthen a splice site. In summary, the available evidence is currently insufficient to determine the role of this variant in disease. Therefore, it has been classified as a Variant of Uncertain Significance.

NM_004172.5(SLC1A3):c.1111A>C (p.Ile371Leu)

Genes: SLC1A3 (solute carrier family 1 member 3; plus strand), SLC1A3-AS1 (SLC1A3 antisense RNA 1; minus strand). Cytogenetic location: 5p13.2.
Variant type: single nucleotide variant.
Coding change: c.1111A>C on transcript NM_004172.5 (MANE Select); coding-DNA position 1111, A replaced by C.
Protein change: p.Ile371Leu; replaces isoleucine 371 with leucine.
Molecular consequence: missense variant.
Genome position (GRCh38, 1-based): chr5:36,680,411, A>C. VCF-style: chr5-36680411-A-C. GRCh37 (hg19) VCF-style: chr5-36680513-A-C.
Other names: c.1111A>C, p.Ile371Leu (NM_001166695.3); c.973A>C, p.Ile325Leu (NM_001289939.2); c.775A>C, p.Ile259Leu (NM_001289940.2); short protein forms I325L, I259L, I371L.
Identifiers: ClinVar variation 1947776 (VCV001947776.5), dbSNP rs1742390566, ClinGen allele CA359481911.